The following is an entry in ClinVar:

NM_006363.6(SEC23B):c.221+1G>A

Gene: SEC23B (SEC23 homolog B, COPII component; plus strand). Cytogenetic location: 20p11.23.
Variant type: single nucleotide variant.
Coding change: c.221+1G>A on transcript NM_006363.6 (MANE Select); the canonical splice donor site of the intron after coding-DNA position 221, G replaced by A.
Molecular consequence: splice donor variant.
Genome position (GRCh38, 1-based): chr20:18,511,057, G>A. VCF-style: chr20-18511057-G-A. GRCh37 (hg19) VCF-style: chr20-18491701-G-A.
Other names: c.221+1G>A (NM_001172746.3, NM_032986.5, NM_001172745.3 and 1 more transcripts).
Identifiers: ClinVar variation 2922360 (VCV002922360.3), dbSNP rs2517451331, ClinGen allele CA408355944.

ClinVar aggregate classification (germline): Likely pathogenic (1 of 4 stars; one submission).

Conditions:
Congenital dyserythropoietic anemia, type II (CDAN2). Also called: DYSERYTHROPOIETIC ANEMIA, HEMPAS TYPE. Identifiers: Orphanet 98873, MedGen C1306589, MONDO:0009134, OMIM 224100.
Cowden syndrome 7 (CWS7). Identifiers: Orphanet 201, MedGen C4225179, MONDO:0014802, OMIM 616858.

Submission:

Labcorp Genetics (formerly Invitae), Labcorp
Classification: Likely pathogenic for Congenital dyserythropoietic anemia, type II; Cowden syndrome 7. Last evaluated: 2024-01-21. Review status: criteria provided, single submitter. Criteria: Invitae Variant Classification Sherloc (09022015). Collection method: clinical testing. Allele origin: germline.
Comment: This sequence change affects a donor splice site in intron 2 of the SEC23B gene. It is expected to disrupt RNA splicing. Variants that disrupt the donor or acceptor splice site typically lead to a loss of protein function (PMID: 16199547), and loss-of-function variants in SEC23B are known to be pathogenic (PMID: 19561605, 25044164). This variant is not present in population databases (gnomAD no frequency). This variant has not been reported in the literature in individuals affected with SEC23B-related conditions. Algorithms developed to predict the effect of sequence changes on RNA splicing suggest that this variant may disrupt the consensus splice site. In summary, the currently available evidence indicates that the variant is pathogenic, but additional data are needed to prove that conclusively. Therefore, this variant has been classified as Likely Pathogenic.

Literature cited by the submitters: PubMed 16199547; PubMed 19561605; PubMed 25044164.